The following is an entry in ClinVar:

ClinVar aggregate classification (germline): Uncertain significance. Review status: criteria provided, multiple submitters, no conflicts (2 of 4 stars). 2 submissions from 2 submitters: Uncertain significance (2). Last evaluated 2025-08-03.

Conditions:
Inborn genetic diseases. Identifiers: MedGen C0950123, MeSH D030342.

Allele frequency attached by ClinVar (database versions not stated): TOPMed 0.00003; ExAC 0.00004; gnomAD 0.00007; 1000 Genomes Project 30x 0.00016; 1000 Genomes Project 0.00020.
gnomAD v4.1: 100 of 1,614,214 alleles (0.0062%); highest among the groups gnomAD compares: Non-Finnish European, 0.0084%; no homozygotes.

Submissions (2):

Ambry Genetics
Classification: Uncertain significance for Inborn genetic diseases. Last evaluated: 2025-08-03. Review status: criteria provided, single submitter. Criteria: Ambry Variant Classification Scheme 2023. Collection method: clinical testing. Allele origin: germline.

GeneDx
Classification: Uncertain significance. Last evaluated: 2025-07-29. Review status: criteria provided, single submitter. Criteria: GeneDx Variant Classification Process June 2021. Collection method: clinical testing. Allele origin: germline. Affected: yes.
Comment: In silico analysis suggests that this missense variant does not alter protein structure/function; Has not been previously published as pathogenic or benign to our knowledge

NM_001127453.2(GSDME):c.1342G>A (p.Val448Met)

Gene: GSDME (gasdermin E; minus strand). Cytogenetic location: 7p15.3.
Variant type: single nucleotide variant.
Coding change: c.1342G>A on transcript NM_001127453.2 (MANE Select); coding-DNA position 1342, G replaced by A.
Protein change: p.Val448Met; replaces valine 448 with methionine.
Molecular consequence: missense variant.
Genome position (GRCh38, 1-based): chr7:24,699,175, C>T on the plus strand (G>A on the coding strand, the complement: GSDME is on the minus strand). VCF-style: chr7-24699175-C-T. GRCh37 (hg19) VCF-style: chr7-24738794-C-T.
Other names: c.850G>A, p.Val284Met (NM_001127454.2); c.1342G>A, p.Val448Met (NM_004403.3); short protein forms V448M, V284M.
Identifiers: ClinVar variation 3102828 (VCV003102828.3), dbSNP rs140643388, ClinGen allele CA4191291.